The following is an entry in ClinVar:

NM_018706.7(DHTKD1):c.2684T>G (p.Leu895Trp)

Gene: DHTKD1 (dehydrogenase E1 and transketolase domain containing 1; plus strand). Cytogenetic location: 10p14.
Variant type: single nucleotide variant.
Coding change: c.2684T>G on transcript NM_018706.7 (MANE Select); coding-DNA position 2684, T replaced by G.
Protein change: p.Leu895Trp; replaces leucine 895 with tryptophan.
Molecular consequence: missense variant.
Genome position (GRCh38, 1-based): chr10:12,120,812, T>G. VCF-style: chr10-12120812-T-G. GRCh37 (hg19) VCF-style: chr10-12162811-T-G.
Other names: short protein forms L895W.
Identifiers: ClinVar variation 1484135 (VCV001484135.6), dbSNP rs2131631166, ClinGen allele CA376017766.

ClinVar aggregate classification (germline): Uncertain significance (1 of 4 stars; one submission).

Conditions:
2-aminoadipic 2-oxoadipic aciduria (AAKAD). Also called: Aminoadipic aciduria; ALPHA-AMINOADIPIC AND ALPHA-KETOADIPIC ACIDURIA. Identifiers: Orphanet 79154, MedGen C1859817, MONDO:0008774, OMIM 204750.

Submission:

Labcorp Genetics (formerly Invitae), Labcorp
Classification: Uncertain significance for 2-aminoadipic 2-oxoadipic aciduria. Last evaluated: 2022-04-25. Review status: criteria provided, single submitter. Criteria: Invitae Variant Classification Sherloc (09022015). Collection method: clinical testing. Allele origin: germline.
Comment: In summary, the available evidence is currently insufficient to determine the role of this variant in disease. Therefore, it has been classified as a Variant of Uncertain Significance. Algorithms developed to predict the effect of missense changes on protein structure and function are either unavailable or do not agree on the potential impact of this missense change (SIFT: "Deleterious"; PolyPhen-2: "Probably Damaging"; Align-GVGD: "Class C0"). This variant has not been reported in the literature in individuals affected with DHTKD1-related conditions. This variant is not present in population databases (gnomAD no frequency). This sequence change replaces leucine, which is neutral and non-polar, with tryptophan, which is neutral and slightly polar, at codon 895 of the DHTKD1 protein (p.Leu895Trp).